The following is an entry in ClinVar:

ClinVar aggregate classification (germline): Likely benign. Review status: criteria provided, multiple submitters, no conflicts (2 of 4 stars). 2 submissions from 2 submitters: Likely benign (2). Last evaluated 2025-04-03.

Conditions:
Familial hemophagocytic lymphohistiocytosis 4 (FHL4). Also called: STX11-Related Familial Hemophagocytic Lymphohistiocytosis (STX11-fHLH). Identifiers: Orphanet 540, MedGen C1863728, MONDO:0011336, OMIM 603552.

Allele frequency attached by ClinVar (database versions not stated): ExAC 0.00001; gnomAD exomes 0.00001.
gnomAD v4.1: 8 of 1,612,720 alleles (0.0005%); highest among the groups gnomAD compares: Non-Finnish European, 0.00059%; no homozygotes.

Submissions (2):

Labcorp Genetics (formerly Invitae), Labcorp
Classification: Likely benign for Familial hemophagocytic lymphohistiocytosis 4. Last evaluated: 2025-04-03. Review status: criteria provided, single submitter. Criteria: Invitae Variant Classification Sherloc (09022015). Collection method: clinical testing. Allele origin: germline.

CeGaT Center for Human Genetics Tuebingen
Classification: Likely benign. Last evaluated: 2022-11-01. Review status: criteria provided, single submitter. Criteria: CeGaT Center For Human Genetics Tuebingen Variant Classification Criteria Version 2. Collection method: clinical testing. Allele origin: germline. Affected: yes. Observed: 1 variant allele.
Comment: STX11: BP4, BP7

NM_003764.4(STX11):c.408C>A (p.Thr136=)

Gene: STX11 (syntaxin 11; plus strand). Cytogenetic location: 6q24.2.
Variant type: single nucleotide variant.
Coding change: c.408C>A on transcript NM_003764.4 (MANE Select); coding-DNA position 408, C replaced by A.
Protein change: p.Thr136=; no amino-acid change (threonine 136 retained).
Molecular consequence: synonymous variant.
Genome position (GRCh38, 1-based): chr6:144,187,035, C>A. VCF-style: chr6-144187035-C-A. GRCh37 (hg19) VCF-style: chr6-144508172-C-A.
Identifiers: ClinVar variation 1137460 (VCV001137460.32), dbSNP rs780418852, ClinGen allele CA4031704.
Genomic context (GRCh38, chr6:144,187,035, plus strand): 5'-CCAGCACGGCCCGCACTCGGCAGTGGCGCGCATTTCGCGGGCGCAGTACAACGCGCTCAC[C>A]CTCACCTTCCAGCGCGCCATGCACGACTACAACCAGGCCGAGATGAAGCAGCGCGACAAC-3'
Protein context (NP_003755.2, residues 126-146): RISRAQYNAL[Thr136=]LTFQRAMHDY